The following is an entry in ClinVar:

NM_000038.6(APC):c.3212A>G (p.Gln1071Arg)

Gene: APC (APC regulator of Wnt signaling pathway; plus strand). Cytogenetic location: 5q22.2.
Variant type: single nucleotide variant.
Coding change: c.3212A>G on transcript NM_000038.6 (MANE Select); coding-DNA position 3212, A replaced by G.
Protein change: p.Gln1071Arg; replaces glutamine 1071 with arginine.
Molecular consequence: missense variant. On other transcripts: non-coding transcript variant (2).
Genome position (GRCh38, 1-based): chr5:112,838,806, A>G. VCF-style: chr5-112838806-A-G. GRCh37 (hg19) VCF-style: chr5-112174503-A-G.
Other names: c.3212A>G, p.Gln1071Arg (NM_001127510.3, NM_001354895.2, NM_001407450.1); c.3158A>G, p.Gln1053Arg (NM_001127511.3); c.3266A>G, p.Gln1089Arg (NM_001354896.2, NM_001407447.1, NM_001407448.1 and 1 more transcripts); c.3242A>G, p.Gln1081Arg (NM_001354897.2); c.3137A>G, p.Gln1046Arg (NM_001354898.2); c.3128A>G, p.Gln1043Arg (NM_001354899.2); c.3089A>G, p.Gln1030Arg (NM_001354900.2); c.3035A>G, p.Gln1012Arg (NM_001354901.2, NM_001407453.1); and 11 more; short protein forms Q1012R, Q1030R, Q1043R, Q1089R, Q1053R, Q1071R, Q1081R, Q911R.
Identifiers: ClinVar variation 4759598 (VCV004759598.1).
Genomic context (GRCh38, chr5:112,838,806, plus strand): 5'-GACCCAAACACATAATAGAAGATGAAATAAAACAAAGTGAGCAAAGACAATCAAGGAATC[A>G]AAGTACAACTTATCCTGTTTATACTGAGAGCACTGATGATAAACACCTCAAGTTCCAACC-3'
Protein context (NP_000029.2, residues 1061-1081): KQSEQRQSRN[Gln1071Arg]STTYPVYTES

ClinVar aggregate classification (germline): Uncertain significance (1 of 4 stars; one submission).

Conditions:
Familial adenomatous polyposis 1 (FAP1). Also called: FAMILIAL ADENOMATOUS POLYPOSIS 1, ATTENUATED; POLYPOSIS, ADENOMATOUS INTESTINAL. Identifiers: MedGen C2713442, MONDO:0021056, OMIM 175100. Disease mechanism: loss of function.

Submission:

Labcorp Genetics (formerly Invitae), Labcorp
Classification: Uncertain significance for Familial adenomatous polyposis 1. Last evaluated: 2025-05-27. Review status: criteria provided, single submitter. Criteria: Invitae Variant Classification Sherloc (09022015). Collection method: clinical testing. Allele origin: germline.
Comment: This sequence change replaces glutamine, which is neutral and polar, with arginine, which is basic and polar, at codon 1071 of the APC protein (p.Gln1071Arg). This variant is not present in population databases (gnomAD no frequency). This variant has not been reported in the literature in individuals affected with APC-related conditions. Invitae Evidence Modeling of protein sequence and biophysical properties (such as structural, functional, and spatial information, amino acid conservation, physicochemical variation, residue mobility, and thermodynamic stability) indicates that this missense variant is not expected to disrupt APC protein function with a negative predictive value of 95%. In summary, the available evidence is currently insufficient to determine the role of this variant in disease. Therefore, it has been classified as a Variant of Uncertain Significance.